The following is an entry in ClinVar:

NM_001098.3(ACO2):c.2006C>T (p.Ser669Leu)

Genes: ACO2 (aconitase 2; plus strand), POLR3H (RNA polymerase III subunit H; minus strand). Cytogenetic location: 22q13.2.
Variant type: single nucleotide variant.
Coding change: c.2006C>T on transcript NM_001098.3 (MANE Select); coding-DNA position 2006, C replaced by T.
Protein change: p.Ser669Leu; replaces serine 669 with leucine.
Molecular consequence: missense variant. On other transcripts: 3 prime UTR variant (5).
Genome position (GRCh38, 1-based): chr22:41,527,340, C>T. VCF-style: chr22-41527340-C-T. GRCh37 (hg19) VCF-style: chr22-41923344-C-T.
Other names: c.*1943G>A (NM_001018050.4, NM_001018052.4, NM_001282884.2 and 2 more transcripts); short protein forms S669L.
Identifiers: ClinVar variation 623997 (VCV000623997.49), dbSNP rs764832926, ClinGen allele CA10257855.

ClinVar aggregate classification (germline): Uncertain significance. Review status: criteria provided, multiple submitters, no conflicts (2 of 4 stars). 5 submissions from 5 submitters: Uncertain significance (5). Last evaluated 2025-07-28.

Conditions:
Optic atrophy. Identifiers: MedGen C0029124, MONDO:0003608, HP:0000648.

Allele frequency attached by ClinVar (database versions not stated): gnomAD exomes below 0.00001.
gnomAD v4.1: 2 of 1,614,042 alleles (0.00012%); highest among the groups gnomAD compares: Non-Finnish European, 0.00017%; no homozygotes.

Submissions (5):

Labcorp Genetics (formerly Invitae), Labcorp
Classification: Uncertain significance. Last evaluated: 2025-07-28. Review status: criteria provided, single submitter. Criteria: Invitae Variant Classification Sherloc (09022015). Collection method: clinical testing. Allele origin: germline.
Comment: This sequence change replaces serine, which is neutral and polar, with leucine, which is neutral and non-polar, at codon 669 of the ACO2 protein (p.Ser669Leu). This variant is present in population databases (rs764832926, gnomAD 0.0009%). This missense change has been observed in individual(s) with optic neuropathy (PMID: 34056600). ClinVar contains an entry for this variant (Variation ID: 623997). Invitae Evidence Modeling of protein sequence and biophysical properties (such as structural, functional, and spatial information, amino acid conservation, physicochemical variation, residue mobility, and thermodynamic stability) indicates that this missense variant is expected to disrupt ACO2 protein function with a positive predictive value of 80%. In summary, the available evidence is currently insufficient to determine the role of this variant in disease. Therefore, it has been classified as a Variant of Uncertain Significance.

Blueprint Genetics
Classification: Uncertain significance. Last evaluated: 2024-11-06. Review status: criteria provided, single submitter. Criteria: ACMG Guidelines, 2015. Collection method: clinical testing. Allele origin: germline.

GeneDx
Classification: Uncertain significance. Last evaluated: 2022-11-17. Review status: criteria provided, single submitter. Criteria: GeneDx Variant Classification Process June 2021. Collection method: clinical testing. Allele origin: germline. Affected: yes.
Comment: Reported as a heterozygous variant of uncertain significance in two unrelated individuals with optic atrophy; comprehensive genetic testing and segregation testing was not performed (Charif M et al., 2021); Not observed at significant frequency in large population cohorts (gnomAD); In silico analysis supports that this missense variant has a deleterious effect on protein structure/function; This variant is associated with the following publications: (PMID: 34354088, 34056600)

Institute of Human Genetics, Univ. Regensburg, Univ. Regensburg
Classification: Uncertain significance for Optic atrophy. Last evaluated: 2022-01-01. Review status: criteria provided, single submitter. Criteria: ACMG Guidelines, 2015. Collection method: clinical testing. Allele origin: germline. Affected: yes.

CeGaT Center for Human Genetics Tuebingen
Classification: Uncertain significance. Last evaluated: 2019-07-01. Review status: criteria provided, single submitter. Criteria: CeGaT Center For Human Genetics Tuebingen Variant Classification Criteria Version 2. Collection method: clinical testing. Allele origin: germline. Affected: yes. Observed: 2 variant alleles.

Literature cited by the submitters: PubMed 34056600 (cited by Labcorp Genetics (formerly Invitae), Labcorp and Institute of Human Genetics, Univ. Regensburg, Univ. Regensburg).